The following is an entry in ClinVar:

NM_173500.4(TTBK2):c.985G>A (p.Ala329Thr)

Gene: TTBK2 (tau tubulin kinase 2; minus strand). Cytogenetic location: 15q15.2.
Variant type: single nucleotide variant.
Coding change: c.985G>A on transcript NM_173500.4 (MANE Select); coding-DNA position 985, G replaced by A.
Protein change: p.Ala329Thr; replaces alanine 329 with threonine.
Molecular consequence: missense variant.
Genome position (GRCh38, 1-based): chr15:42,783,631, C>T on the plus strand (G>A on the coding strand, the complement: TTBK2 is on the minus strand). VCF-style: chr15-42783631-C-T. GRCh37 (hg19) VCF-style: chr15-43075829-C-T.
Other names: short protein forms A329T.
Identifiers: ClinVar variation 1922365 (VCV001922365.5), dbSNP rs776309612, ClinGen allele CA7516985.

ClinVar aggregate classification (germline): Uncertain significance (1 of 4 stars; one submission).

Allele frequency attached by ClinVar (database versions not stated): ExAC 0.00002.
gnomAD v4.1: 19 of 1,610,840 alleles (0.0012%); highest among the groups gnomAD compares: South Asian, 0.02%; no homozygotes.

Submission:

Labcorp Genetics (formerly Invitae), Labcorp
Classification: Uncertain significance. Last evaluated: 2022-10-19. Review status: criteria provided, single submitter. Criteria: Invitae Variant Classification Sherloc (09022015). Collection method: clinical testing. Allele origin: germline.
Comment: This variant has not been reported in the literature in individuals affected with TTBK2-related conditions. This variant is present in population databases (rs776309612, gnomAD 0.02%). This sequence change replaces alanine, which is neutral and non-polar, with threonine, which is neutral and polar, at codon 329 of the TTBK2 protein (p.Ala329Thr). Advanced modeling of protein sequence and biophysical properties (such as structural, functional, and spatial information, amino acid conservation, physicochemical variation, residue mobility, and thermodynamic stability) performed at Invitae indicates that this missense variant is not expected to disrupt TTBK2 protein function. In summary, the available evidence is currently insufficient to determine the role of this variant in disease. Therefore, it has been classified as a Variant of Uncertain Significance.